The following is an entry in ClinVar:

ClinVar aggregate classification (germline): Benign. Review status: criteria provided, multiple submitters, no conflicts (2 of 4 stars). 10 submissions from 10 submitters: Benign (10). Last evaluated 2026-02-04.

Conditions:
Inborn genetic diseases. Identifiers: MedGen C0950123, MeSH D030342.
Developmental and epileptic encephalopathy, 30 (DEE30). Also called: Epileptic encephalopathy, early infantile, 30. Identifiers: MedGen C4225360, MONDO:0014595, OMIM 616341.

Allele frequency attached by ClinVar (database versions not stated): 1000 Genomes Project 0.83067; ESP Exome Variant Server 0.84547; gnomAD 0.85362; gnomAD exomes 0.88770; ExAC 0.89001.

Submissions (10):

Labcorp Genetics (formerly Invitae), Labcorp
Classification: Benign for Developmental and epileptic encephalopathy, 30. Last evaluated: 2026-02-04. Review status: criteria provided, single submitter. Criteria: Invitae Variant Classification Sherloc (09022015). Collection method: clinical testing. Allele origin: germline.

Blueprint Genetics
Classification: Benign. Last evaluated: 2024-11-28. Review status: criteria provided, single submitter. Criteria: ACMG Guidelines, 2015. Collection method: clinical testing. Allele origin: germline.

Unidad de Genómica Garrahan, Hospital de Pediatría Garrahan
Classification: Benign. Last evaluated: 2024-07-31. Review status: criteria provided, single submitter. Criteria: ACMG Guidelines, 2015. Collection method: clinical testing. Allele origin: germline. Affected: no. Observed: 93 variant alleles.
Comment: This variant is classified as Benign based on local population frequency. This variant was detected in 100% of patients studied in a panel designed for Epileptic and Developmental Encephalopathy, Progressive Myoclonus Epilepsy and Abnormal Movements and Neurodegeneration with brain iron accumulation. Number of patients: 93. Only high quality variants are reported.

Genome-Nilou Lab
Classification: Benign for Developmental and epileptic encephalopathy, 30. Last evaluated: 2021-07-15. Review status: criteria provided, single submitter. Criteria: ACMG Guidelines, 2015. Collection method: clinical testing. Allele origin: germline. Affected: no.

Mendelics
Classification: Benign for Developmental and epileptic encephalopathy, 30. Last evaluated: 2019-05-28. Review status: criteria provided, single submitter. Criteria: Mendelics Assertion Criteria 2017. Collection method: clinical testing. Allele origin: unknown.

GeneDx
Classification: Benign. Last evaluated: 2018-07-30. Review status: criteria provided, single submitter. Criteria: GeneDx Variant Classification Process June 2021. Collection method: clinical testing. Allele origin: germline. Affected: yes.

Mayo Clinic Laboratories, Mayo Clinic
Classification: Benign. Last evaluated: 2018-04-02. Review status: criteria provided, single submitter. Criteria: ACMG Guidelines, 2015. Collection method: clinical testing. Allele origin: germline. Observed: 534 variant alleles.

Athena Diagnostics
Classification: Benign. Last evaluated: 2017-04-20. Review status: criteria provided, single submitter. Criteria: Athena Diagnostics Criteria. Collection method: clinical testing. Allele origin: germline.

Ambry Genetics
Classification: Benign for Inborn genetic diseases. Last evaluated: 2015-12-31. Review status: criteria provided, single submitter. Criteria: Ambry Variant Classification Scheme 2023. Collection method: clinical testing. Allele origin: germline.

Breakthrough Genomics
Classification: Benign. Review status: criteria provided, single submitter. Criteria: ACMG Guidelines, 2015. Collection method: not provided. Allele origin: germline. Inheritance: Autosomal dominant inheritance. Affected: yes.

NM_173354.5(SIK1):c.1844C>T (p.Ala615Val)

Gene: SIK1 (salt inducible kinase 1; minus strand). Cytogenetic location: 21q22.3.
Variant type: single nucleotide variant.
Coding change: c.1844C>T on transcript NM_173354.5 (MANE Select); coding-DNA position 1844, C replaced by T.
Protein change: p.Ala615Val; replaces alanine 615 with valine.
Molecular consequence: missense variant.
Genome position (GRCh38, 1-based): chr21:43,417,675, G>A on the plus strand (C>T on the coding strand, the complement: SIK1 is on the minus strand). VCF-style: chr21-43417675-G-A. GRCh37 (hg19) VCF-style: chr21-44837555-G-A.
Other names: p.Ala615Val; short protein forms A615V.
Identifiers: ClinVar variation 586585 (VCV000586585.25), dbSNP rs430554, ClinGen allele CA321324936.